The following is an entry in ClinVar:

NM_004655.4(AXIN2):c.1712+1G>T

Gene: AXIN2 (axin 2; minus strand). Cytogenetic location: 17q24.1.
Variant type: single nucleotide variant.
Coding change: c.1712+1G>T on transcript NM_004655.4 (MANE Select); the canonical splice donor site of the intron after coding-DNA position 1712, G replaced by T.
Molecular consequence: splice donor variant.
Genome position (GRCh38, 1-based): chr17:65,537,323, C>A on the plus strand (G>T on the coding strand, the complement: AXIN2 is on the minus strand). VCF-style: chr17-65537323-C-A. GRCh37 (hg19) VCF-style: chr17-63533441-C-A.
Other names: c.1712+1G>T (NM_001363813.1).
Identifiers: ClinVar variation 1778578 (VCV001778578.2), dbSNP rs1357170855, ClinGen allele CA400676774.

ClinVar aggregate classification (germline): Likely pathogenic (1 of 4 stars; one submission).

Conditions:
Hereditary cancer-predisposing syndrome. Also called: Neoplastic Syndromes, Hereditary; Tumor predisposition; Hereditary Cancer Syndrome; Hereditary neoplastic syndrome. Identifiers: Orphanet 140162, MedGen C0027672, MeSH D009386, MONDO:0015356.

Submission:

Ambry Genetics
Classification: Likely pathogenic for Hereditary cancer-predisposing syndrome. Last evaluated: 2021-07-22. Review status: criteria provided, single submitter. Criteria: Ambry Variant Classification Scheme 2023. Collection method: clinical testing. Allele origin: germline.
Comment: The c.1712+1G>T intronic variant results from a G to T substitution one nucleotide after coding exon 5 of the AXIN2 gene. This variant is considered to be rare based on population cohorts in the Genome Aggregation Database (gnomAD). This nucleotide position is highly conserved in available vertebrate species. In silico splice site analysis predicts that this alteration will weaken the native splice donor site and will result in the creation or strengthening of a novel splice donor site. Alterations that disrupt the canonical splice site are expected to cause aberrant splicing, resulting in an abnormal protein or a transcript that is subject to nonsense-mediated mRNA decay. As such, this alteration is classified as likely pathogenic.